The following is an entry in ClinVar:

ClinVar aggregate classification (germline): Pathogenic (1 of 4 stars; one submission).

Conditions:
Cardiovascular phenotype. Identifiers: MedGen CN230736.

Submission:

Molecular Diagnostic Laboratory for Inherited Cardiovascular Disease, Montreal Heart Institute
Classification: Pathogenic for Cardiovascular phenotype. Last evaluated: 2024-06-17. Review status: criteria provided, single submitter. Criteria: ACMG Guidelines, 2015. Collection method: clinical testing. Allele origin: germline. Affected: yes.
Comment: PVS1, PM2, PP1

NM_001267550.2(TTN):c.68923_68924insT (p.Pro22975fs)

Genes: TTN (titin; minus strand), TTN-AS1 (TTN antisense RNA 1; plus strand). Cytogenetic location: 2q31.2.
Variant type: Insertion.
Coding change: c.68923_68924insT on transcript NM_001267550.2 (MANE Select); coding-DNA positions 68923 to 68924, T inserted.
Protein change: p.Pro22975fs; shifts the reading frame from proline 22975.
Molecular consequence: frameshift variant.
Genome position: GRCh38 VCF-style: chr2-178577411-G-GA. GRCh37 (hg19) VCF-style: chr2-179442138-G-GA.
Other names: c.64000_64001insT, p.Pro21334fs (NM_001256850.1); c.41728_41729insT, p.Pro13910fs (NM_003319.4); c.61219_61220insT, p.Pro20407fs (NM_133378.4); c.42103_42104insT, p.Pro14035fs (NM_133432.3); c.42304_42305insT, p.Pro14102fs (NM_133437.4); short protein forms P13910fs, P22975fs, P20407fs, P21334fs, P14035fs, P14102fs.
Identifiers: ClinVar variation 520475 (VCV000520475.3), dbSNP rs1553617407, ClinGen allele CA658796008.
Genomic context (GRCh38, chr2:178,577,411, plus strand): 5'-TGAGTGATATCTGATGGTCTAATGTCTTTTCCTGCCTTGGACCAACTTGATTTTGGAAGG[G>GA]GTTTGCCAAGAATGCTAATGGCATTCAAAACAATGGTATCCCCTGCTTTAATTGTTAGCC-3'